The following is an entry in ClinVar:

NM_000540.3(RYR1):c.591A>G (p.Thr197=)

Gene: RYR1 (ryanodine receptor 1; plus strand). Cytogenetic location: 19q13.2.
Variant type: single nucleotide variant.
Coding change: c.591A>G on transcript NM_000540.3 (MANE Select); coding-DNA position 591, A replaced by G.
Protein change: p.Thr197=; no amino-acid change (threonine 197 retained).
Molecular consequence: synonymous variant.
Genome position (GRCh38, 1-based): chr19:38,444,637, A>G. VCF-style: chr19-38444637-A-G. GRCh37 (hg19) VCF-style: chr19-38935277-A-G.
Other names: c.591A>G, p.Thr197= (NM_001042723.2).
Identifiers: ClinVar variation 3387627 (VCV003387627.1).

ClinVar aggregate classification (germline): Likely benign (1 of 4 stars; one submission).

Conditions:
Malignant hyperthermia, susceptibility to, 1 (MHS1). Also called: Anesthesia related hyperthermia; Malignant hyperpyrexia; Fulminating hyperpyrexia; Pharmacogenic myopathy; RYR1-Related Malignant Hyperthermia Susceptibility; Malignant hyperthermia suceptibility 1. Identifiers: Orphanet 423, MedGen C2930980, MONDO:0007783, OMIM 145600.

gnomAD v4.1: 2 of 1,614,032 alleles (0.00012%); highest among the groups gnomAD compares: East Asian, 0.0022%; no homozygotes.

Submission:

All of Us Research Program, National Institutes of Health
Classification: Likely benign for Malignant hyperthermia, susceptibility to, 1. Last evaluated: 2024-07-20. Review status: criteria provided, single submitter. Criteria: ACMG Guidelines, 2015. Collection method: clinical testing. Allele origin: germline. Inheritance: Autosomal dominant inheritance. Observed: 1 variant allele, 1 heterozygote.
Comment: This study involves interpretation of variants in research participants for the purpose of population health screening. Participant phenotype was not available at the time of variant classification. Additional details can be found in publication PMID: 35346344, PMCID: PMC8962531